The following is an entry in ClinVar:

NM_003072.5(SMARCA4):c.4171-1854T>C

Gene: SMARCA4 (SWI/SNF related BAF chromatin remodeling complex subunit ATPase 4; plus strand). Cytogenetic location: 19p13.2.
Variant type: single nucleotide variant.
Coding change: c.4171-1854T>C on transcript NM_003072.5 (MANE Select); 1854 bases into the intron before coding-DNA position 4171, T replaced by C.
Molecular consequence: intron variant.
Genome position (GRCh38, 1-based): chr19:11,039,453, T>C. VCF-style: chr19-11039453-T-C. GRCh37 (hg19) VCF-style: chr19-11150129-T-C.
Other names: c.4171-1854T>C (NM_001128844.3); c.4171-5T>C (NM_001128849.3, NM_001387283.1); c.4072-1854T>C (NM_001128847.4, NM_001374457.1, NM_001128848.2); c.4072-1845T>C (NM_001128845.2, NM_001128846.2).
Identifiers: ClinVar variation 565433 (VCV000565433.23), dbSNP rs1157173095, ClinGen allele CA631764888.

ClinVar aggregate classification (germline): Conflicting classifications of pathogenicity. Review status: criteria provided, conflicting classifications (1 of 4 stars). 4 submissions from 4 submitters: Uncertain significance (2); Likely benign (2). Last evaluated 2025-11-13.

Conditions:
Hereditary cancer-predisposing syndrome. Also called: Hereditary neoplastic syndrome; Neoplastic Syndromes, Hereditary; Tumor predisposition; Hereditary Cancer Syndrome. Identifiers: Orphanet 140162, MedGen C0027672, MeSH D009386, MONDO:0015356.
Rhabdoid tumor predisposition syndrome 2 (RTPS2). Identifiers: Orphanet 231108, Orphanet 69077, MedGen C2750074, MONDO:0013224, OMIM 613325.

Allele frequency attached by ClinVar (database versions not stated): gnomAD exomes below 0.00001 and 0.00001; gnomAD 0.00001.
gnomAD v4.1: 11 of 1,584,990 alleles (0.00069%); highest among the groups gnomAD compares: Non-Finnish European, 0.00094%; no homozygotes.

Submissions (4):

Ambry Genetics
Classification: Likely benign for Hereditary cancer-predisposing syndrome. Last evaluated: 2025-11-13. Review status: criteria provided, single submitter. Criteria: Ambry Variant Classification Scheme 2023. Collection method: clinical testing. Allele origin: germline.

Labcorp Genetics (formerly Invitae), Labcorp
Classification: Likely benign for Rhabdoid tumor predisposition syndrome 2. Last evaluated: 2025-09-20. Review status: criteria provided, single submitter. Criteria: Invitae Variant Classification Sherloc (09022015). Collection method: clinical testing. Allele origin: germline.

Sema4
Classification: Uncertain significance for Hereditary cancer-predisposing syndrome. Last evaluated: 2022-02-04. Review status: criteria provided, single submitter. Criteria: Sema4 Curation Guidelines. Collection method: curation. Allele origin: germline.
Comment: The SMARCA4 c.4171-5T>C variant has not been reported in the literature to our knowledge. It was observed in 2/115512 chromosomes in the Non-Finnish European subpopulation according to the Genome Aggregation Database (PMID: 32461654). This variant has been reported in ClinVar (Variation ID: 565433). Algorithms developed to predict the effect of sequence changes on RNA splicing suggest this variant does not impact splicing, though these predictions have not been confirmed by functional studies. The evidence is insufficient to meet ACMG/AMP criteria for classifying the variant as benign or pathogenic. Thus, the clinical significance of this variant is currently uncertain.

ARUP Laboratories, Molecular Genetics and Genomics, ARUP Laboratories
Classification: Uncertain significance. Last evaluated: 2020-01-31. Review status: criteria provided, single submitter. Criteria: ARUP Molecular Germline Variant Investigation Process. Collection method: clinical testing. Allele origin: germline.
Comment: The SMARCA4 c.4171-5T>C variant (rs1157173095), to our knowledge, is not reported in the medical literature but is reported in the ClinVar database (Variation ID: 565433). This variant is only observed on 2 alleles in the Genome Aggregation Database, indicating it is not a common polymorphism. This is an intronic variant in a weakly conserved nucleotide, but computational analyses (Alamut v.2.11) predict that this variant may impact splicing by weakening the nearby canonical acceptor splice site. However, given the lack of clinical and functional data, the significance of this variant is uncertain at this time.